The following is an entry in ClinVar:

ClinVar aggregate classification (germline): Uncertain significance (1 of 4 stars; one submission).

Conditions:
Long QT syndrome (LQTS). Identifiers: MedGen C0023976, MeSH D008133, MONDO:0002442. Disease mechanism: loss of function. Inheritance: Various modes of inheritance.

Submission:

Labcorp Genetics (formerly Invitae), Labcorp
Classification: Uncertain significance for Long QT syndrome. Last evaluated: 2022-04-11. Review status: criteria provided, single submitter. Criteria: Invitae Variant Classification Sherloc (09022015). Collection method: clinical testing. Allele origin: germline.
Comment: This sequence change falls in intron 43 of the CACNA1C gene. It does not directly change the encoded amino acid sequence of the CACNA1C protein. It affects a nucleotide within the consensus splice site. This variant is not present in population databases (gnomAD no frequency). This variant has not been reported in the literature in individuals affected with CACNA1C-related conditions. Variants that disrupt the consensus splice site are a relatively common cause of aberrant splicing (PMID: 17576681, 9536098). Algorithms developed to predict the effect of sequence changes on RNA splicing suggest that this variant is not likely to affect RNA splicing. In summary, the available evidence is currently insufficient to determine the role of this variant in disease. Therefore, it has been classified as a Variant of Uncertain Significance.

Literature cited by the submitters: PubMed 17576681; PubMed 9536098.

NM_000719.7(CACNA1C):c.5573+6C>T

Genes: CACNA1C (calcium voltage-gated channel subunit alpha1 C; plus strand), CACNA1C-AS1 (CACNA1C antisense RNA 1; minus strand). Cytogenetic location: 12p13.33.
Variant type: single nucleotide variant.
Coding change: c.5573+6C>T on transcript NM_000719.7 (MANE Select); 6 bases into the intron after coding-DNA position 5573, C replaced by T.
Molecular consequence: intron variant.
Genome position (GRCh38, 1-based): chr12:2,682,684, C>T. VCF-style: chr12-2682684-C-T. GRCh37 (hg19) VCF-style: chr12-2791850-C-T.
Other names: c.5678+6C>T (NM_001167624.3, NM_001129830.3); c.5573+6C>T (NM_001167623.2, NM_001129840.2, NM_001129842.2 and 2 more transcripts); c.5753+6C>T (NM_001167625.2); c.5822+6C>T (NM_199460.4); c.5717+6C>T (NM_001129827.2); c.5633+6C>T (NM_001129832.2); c.5657+6C>T (NM_001129831.2); c.5630+6C>T (NM_001129833.2, NM_001129834.2, NM_001129835.2); and 6 more.
Identifiers: ClinVar variation 1953542 (VCV001953542.5), dbSNP rs1265065785, ClinGen allele CA602740336.